The following is an entry in ClinVar:

ClinVar aggregate classification (germline): Likely pathogenic (1 of 4 stars; one submission).

Conditions:
Hereditary cancer-predisposing syndrome. Also called: Hereditary Cancer Syndrome; Hereditary neoplastic syndrome; Tumor predisposition; Neoplastic Syndromes, Hereditary. Identifiers: Orphanet 140162, MedGen C0027672, MeSH D009386, MONDO:0015356.

Allele frequency attached by ClinVar (database versions not stated): gnomAD exomes below 0.00001.
gnomAD v4.1: 1 of 1,561,248 alleles (0.000064%); highest among the groups gnomAD compares: South Asian, 0.0011%; no homozygotes.

Submission:

Ambry Genetics
Classification: Likely pathogenic for Hereditary cancer-predisposing syndrome. Last evaluated: 2020-09-24. Review status: criteria provided, single submitter. Criteria: Ambry Variant Classification Scheme 2023. Collection method: clinical testing. Allele origin: germline.
Comment: The c.238-1G>T intronic variant results from a G to T substitution one nucleotide upstream from coding exon 3 of the CDC73 gene. In silico splice site analysis predicts that this alteration will weaken the native splice acceptor site and will result in the creation or strengthening of a novel splice acceptor site. Alterations that disrupt the canonical splice site are expected to cause aberrant splicing, resulting in an abnormal protein or a transcript that is subject to nonsense-mediated mRNA decay. As such, this alteration is classified as likely pathogenic.

NM_024529.5(CDC73):c.238-1G>T

Gene: CDC73 (cell division cycle 73; plus strand). Cytogenetic location: 1q31.2.
Variant type: single nucleotide variant.
Coding change: c.238-1G>T on transcript NM_024529.5 (MANE Select); the canonical splice acceptor site of the intron before coding-DNA position 238, G replaced by T.
Molecular consequence: splice acceptor variant.
Genome position (GRCh38, 1-based): chr1:193,130,173, G>T. VCF-style: chr1-193130173-G-T. GRCh37 (hg19) VCF-style: chr1-193099303-G-T.
Identifiers: ClinVar variation 1790454 (VCV001790454.2), dbSNP rs587776559, ClinGen allele CA343973267.